The following is an entry in ClinVar:

ClinVar aggregate classification (germline): Uncertain significance (1 of 4 stars; one submission).

Allele frequency attached by ClinVar (database versions not stated): TOPMed below 0.00001; ExAC 0.00001; gnomAD 0.00001; gnomAD exomes 0.00004.

Submission:

Labcorp Genetics (formerly Invitae), Labcorp
Classification: Uncertain significance. Last evaluated: 2024-09-17. Review status: criteria provided, single submitter. Criteria: Invitae Variant Classification Sherloc (09022015). Collection method: clinical testing. Allele origin: germline.
Comment: This sequence change replaces threonine, which is neutral and polar, with alanine, which is neutral and non-polar, at codon 29 of the ATP5E protein (p.Thr29Ala). This variant is present in population databases (rs750526513, gnomAD 0.002%). This variant has not been reported in the literature in individuals affected with ATP5E-related conditions. An algorithm developed to predict the effect of missense changes on protein structure and function outputs the following: PolyPhen-2: "Benign". The alanine amino acid residue is found in multiple mammalian species, which suggests that this missense change does not adversely affect protein function. In summary, the available evidence is currently insufficient to determine the role of this variant in disease. Therefore, it has been classified as a Variant of Uncertain Significance.

NM_006886.4(ATP5F1E):c.85A>G (p.Thr29Ala)

Genes: ATP5F1E (ATP synthase F1 subunit epsilon; minus strand), SLMO2-ATP5E (SLMO2-ATP5E readthrough; minus strand). Cytogenetic location: 20q13.32.
Variant type: single nucleotide variant.
Coding change: c.85A>G on transcript NM_006886.4 (MANE Select); coding-DNA position 85, A replaced by G.
Protein change: p.Thr29Ala; replaces threonine 29 with alanine.
Molecular consequence: missense variant. On other transcripts: non-coding transcript variant (2).
Genome position (GRCh38, 1-based): chr20:59,030,377, T>C on the plus strand (A>G on the coding strand, the complement: ATP5F1E is on the minus strand). VCF-style: chr20-59030377-T-C. GRCh37 (hg19) VCF-style: chr20-57605432-T-C.
Other names: c.85A>G, p.Thr29Ala (NM_001001977.1); short protein forms T29A.
Identifiers: ClinVar variation 2979642 (VCV002979642.3), dbSNP rs750526513, ClinGen allele CA9928738.